The following is an entry in ClinVar:

NM_145290.4(ADGRA3):c.866C>T (p.Ser289Leu)

Gene: ADGRA3 (adhesion G protein-coupled receptor A3; minus strand). Cytogenetic location: 4p15.2.
Variant type: single nucleotide variant.
Coding change: c.866C>T on transcript NM_145290.4 (MANE Select); coding-DNA position 866, C replaced by T.
Protein change: p.Ser289Leu; replaces serine 289 with leucine.
Molecular consequence: missense variant.
Genome position (GRCh38, 1-based): chr4:22,442,704, G>A on the plus strand (C>T on the coding strand, the complement: ADGRA3 is on the minus strand). VCF-style: chr4-22442704-G-A. GRCh37 (hg19) VCF-style: chr4-22444327-G-A.
Other names: short protein forms S289L.
Identifiers: ClinVar variation 773186 (VCV000773186.12), dbSNP rs2061699, ClinGen allele CA2874120.

ClinVar aggregate classification (germline): Likely benign. Review status: criteria provided, multiple submitters, no conflicts (2 of 4 stars). 2 submissions from 2 submitters: Likely benign (2). Last evaluated 2026-01-26.

Conditions:
ADGRA3-related disorder. Also called: ADGRA3-related condition.

Allele frequency attached by ClinVar (database versions not stated): 1000 Genomes Project 0.00080; 1000 Genomes Project 30x 0.00109; gnomAD exomes 0.00170 and 0.00366; ExAC 0.00177; gnomAD 0.00194; TOPMed 0.00204; ESP Exome Variant Server 0.00254.
gnomAD v4.1: 5,631 of 1,612,884 alleles (0.35%); highest among the groups gnomAD compares: Non-Finnish European, 0.45%; 14 homozygotes.

Submissions (2):

Labcorp Genetics (formerly Invitae), Labcorp
Classification: Likely benign. Last evaluated: 2026-01-26. Review status: criteria provided, single submitter. Criteria: Invitae Variant Classification Sherloc (09022015). Collection method: clinical testing. Allele origin: germline.

PreventionGenetics, part of Exact Sciences
Classification: Likely benign for ADGRA3-related condition. Last evaluated: 2024-10-03. Review status: criteria provided, single submitter. Criteria: ACMG Guidelines, 2015. Collection method: clinical testing. Allele origin: germline.
Comment: This variant is classified as likely benign based on ACMG/AMP sequence variant interpretation guidelines (Richards et al. 2015 PMID: 25741868, with internal and published modifications).